The following is an entry in ClinVar:

ClinVar aggregate classification (germline): Uncertain significance. Review status: criteria provided, multiple submitters, no conflicts (2 of 4 stars). 3 submissions from 3 submitters: Uncertain significance (3). Last evaluated 2025-02-04.

Conditions:
Colorectal cancer. Also called: Colorectal cancer, somatic; Malignant Colorectal Neoplasm. Identifiers: MedGen C0346629, MONDO:0005575, OMIM 114500.

Allele frequency attached by ClinVar (database versions not stated): gnomAD exomes 0.00002; ExAC 0.00009; TOPMed 0.00002; 1000 Genomes Project 0.00020; 1000 Genomes Project 30x 0.00047; gnomAD 0.00005.
gnomAD v4.1: 49 of 1,614,220 alleles (0.003%); highest among the groups gnomAD compares: East Asian, 0.042%; 1 homozygote.

Submissions (3):

Ambry Genetics
Classification: Uncertain significance. Last evaluated: 2025-02-04. Review status: criteria provided, single submitter. Criteria: Ambry Variant Classification Scheme 2023. Collection method: clinical testing. Allele origin: germline.
Comment: Does not currently meet published gene-disease clinical validity criteria Based on insufficient or conflicting evidence, the clinical significance of this alteration remains unclear.

Fulgent Genetics
Classification: Uncertain significance for Colorectal cancer. Last evaluated: 2024-04-11. Review status: criteria provided, single submitter. Criteria: ACMG Guidelines, 2015. Collection method: clinical testing. Allele origin: germline.

Labcorp Genetics (formerly Invitae), Labcorp
Classification: Uncertain significance. Last evaluated: 2022-09-28. Review status: criteria provided, single submitter. Criteria: Invitae Variant Classification Sherloc (09022015). Collection method: clinical testing. Allele origin: germline.
Comment: This variant is present in population databases (rs369869681, gnomAD 0.08%), and has an allele count higher than expected for a pathogenic variant. In summary, the available evidence is currently insufficient to determine the role of this variant in disease. Therefore, it has been classified as a Variant of Uncertain Significance. Algorithms developed to predict the effect of missense changes on protein structure and function are either unavailable or do not agree on the potential impact of this missense change (SIFT: "Deleterious"; PolyPhen-2: "Probably Damaging"; Align-GVGD: "Class C0"). This variant has not been reported in the literature in individuals affected with DLC1-related conditions. This sequence change replaces glutamic acid, which is acidic and polar, with glycine, which is neutral and non-polar, at codon 1130 of the DLC1 protein (p.Glu1130Gly).

Literature cited by the submitters: PubMed 28106320 (cited by Ambry Genetics).

NM_182643.3(DLC1):c.3389A>G (p.Glu1130Gly)

Gene: DLC1 (DLC1 Rho GTPase activating protein; minus strand). Cytogenetic location: 8p22.
Variant type: single nucleotide variant.
Coding change: c.3389A>G on transcript NM_182643.3 (MANE Select); coding-DNA position 3389, A replaced by G.
Protein change: p.Glu1130Gly; replaces glutamic acid 1130 with glycine.
Molecular consequence: missense variant.
Genome position (GRCh38, 1-based): chr8:13,094,896, T>C on the plus strand (A>G on the coding strand, the complement: DLC1 is on the minus strand). VCF-style: chr8-13094896-T-C. GRCh37 (hg19) VCF-style: chr8-12952405-T-C.
Other names: c.1856A>G, p.Glu619Gly (NM_001164271.2, NM_001413133.1, NM_001413138.1 and 6 more transcripts); c.2180A>G, p.Glu727Gly (NM_001316668.2, NM_001413129.1); c.3389A>G, p.Glu1130Gly (NM_001348081.2, NM_001413124.1); c.1829A>G, p.Glu610Gly (NM_001413131.1, NM_001413137.1); c.2315A>G, p.Glu772Gly (NM_001413132.1); c.2078A>G, p.Glu693Gly (NM_001413135.1, NM_001413136.1, NM_001413139.1 and 1 more transcripts); c.2213A>G, p.Glu738Gly (NM_001413140.1); c.2171A>G, p.Glu724Gly (NM_001413130.1); and 1 more; short protein forms E1130G, E610G, E619G, E724G, E693G, E727G, E738G, E772G.
Identifiers: ClinVar variation 2041359 (VCV002041359.6), dbSNP rs369869681, ClinGen allele CA4638331.